The following is an entry in ClinVar:

ClinVar aggregate classification (germline): Conflicting classifications of pathogenicity. Review status: criteria provided, conflicting classifications (1 of 4 stars). 5 submissions from 5 submitters: Uncertain significance (1); Benign (1); Likely benign (3). Last evaluated 2025-11-12.

Conditions:
Mitochondrial complex I deficiency, nuclear type 1. Also called: NADH-COENZYME Q REDUCTASE DEFICIENCY; MITOCHONDRIAL NADH DEHYDROGENASE COMPONENT OF COMPLEX I, DEFICIENCY OF. Identifiers: MedGen C6022305, MONDO:0100224, OMIM 252010.

Allele frequency attached by ClinVar (database versions not stated): gnomAD exomes 0.00015 and 0.00024; ExAC 0.00036; 1000 Genomes Project 30x 0.00078; gnomAD 0.00079 and 0.00083; TOPMed 0.00079; 1000 Genomes Project 0.00080; ESP Exome Variant Server 0.00108.
gnomAD v4.1: 347 of 1,613,448 alleles (0.022%); highest among the groups gnomAD compares: African/African-American, 0.25%; 1 homozygote.

Submissions (5):

Labcorp Genetics (formerly Invitae), Labcorp
Classification: Benign. Last evaluated: 2025-11-12. Review status: criteria provided, single submitter. Criteria: Invitae Variant Classification Sherloc (09022015). Collection method: clinical testing. Allele origin: germline.

Mayo Clinic Laboratories, Mayo Clinic
Classification: Likely benign. Last evaluated: 2025-09-16. Review status: criteria provided, single submitter. Criteria: ACMG Guidelines, 2015. Collection method: clinical testing. Allele origin: germline. Observed: 2 variant alleles.
Comment: BS1, BP4, BP7

Blueprint Genetics
Classification: Likely benign. Last evaluated: 2024-08-28. Review status: criteria provided, single submitter. Criteria: ACMG Guidelines, 2015. Collection method: clinical testing. Allele origin: germline.

GeneDx
Classification: Likely benign. Last evaluated: 2019-01-17. Review status: criteria provided, single submitter. Criteria: GeneDx Variant Classification Process June 2021. Collection method: clinical testing. Allele origin: germline. Affected: yes.

Illumina Laboratory Services, Illumina
Classification: Uncertain significance for Mitochondrial complex I deficiency, nuclear type 1. Last evaluated: 2018-01-13. Review status: criteria provided, single submitter. Criteria: ICSL Variant Classification Criteria 13 December 2019. Collection method: clinical testing. Allele origin: germline.

NM_021074.5(NDUFV2):c.546C>T (p.Asn182=)

Genes: NDUFV2 (NADH:ubiquinone oxidoreductase core subunit V2; plus strand), NDUFV2-AS1 (NDUFV2 antisense RNA 1; minus strand). Cytogenetic location: 18p11.22.
Variant type: single nucleotide variant.
Coding change: c.546C>T on transcript NM_021074.5 (MANE Select); coding-DNA position 546, C replaced by T.
Protein change: p.Asn182=; no amino-acid change (asparagine 182 retained).
Molecular consequence: synonymous variant.
Genome position (GRCh38, 1-based): chr18:9,124,950, C>T. VCF-style: chr18-9124950-C-T. GRCh37 (hg19) VCF-style: chr18-9124948-C-T.
Other names: p.Asn182=.
Identifiers: ClinVar variation 327880 (VCV000327880.17), dbSNP rs143576401, ClinGen allele CA8887245.